The following is an entry in ClinVar:

ClinVar aggregate classification (germline): Uncertain significance (1 of 4 stars; one submission).

Allele frequency attached by ClinVar (database versions not stated): gnomAD exomes below 0.00001; gnomAD 0.00001; TOPMed 0.00001.
gnomAD v4.1: 6 of 1,614,082 alleles (0.00037%); highest among the groups gnomAD compares: Middle Eastern, 0.033%; no homozygotes.

Submission:

Labcorp Genetics (formerly Invitae), Labcorp
Classification: Uncertain significance. Last evaluated: 2021-10-19. Review status: criteria provided, single submitter. Criteria: Invitae Variant Classification Sherloc (09022015). Collection method: clinical testing. Allele origin: germline.
Comment: In summary, the available evidence is currently insufficient to determine the role of this variant in disease. Therefore, it has been classified as a Variant of Uncertain Significance. Algorithms developed to predict the effect of missense changes on protein structure and function are either unavailable or do not agree on the potential impact of this missense change (SIFT: "Tolerated"; PolyPhen-2: "Possibly Damaging"; Align-GVGD: "Class C0"). This variant has not been reported in the literature in individuals affected with ASRGL1-related conditions. This variant is not present in population databases (ExAC no frequency). This sequence change replaces serine with leucine at codon 251 of the ASRGL1 protein (p.Ser251Leu). The serine residue is weakly conserved and there is a large physicochemical difference between serine and leucine.

NM_001083926.2(ASRGL1):c.752C>T (p.Ser251Leu)

Gene: ASRGL1 (asparaginase and isoaspartyl peptidase 1; plus strand). Cytogenetic location: 11q12.3.
Variant type: single nucleotide variant.
Coding change: c.752C>T on transcript NM_001083926.2 (MANE Select); coding-DNA position 752, C replaced by T.
Protein change: p.Ser251Leu; replaces serine 251 with leucine.
Molecular consequence: missense variant.
Genome position (GRCh38, 1-based): chr11:62,392,109, C>T. VCF-style: chr11-62392109-C-T. GRCh37 (hg19) VCF-style: chr11-62159581-C-T.
Other names: c.752C>T, p.Ser251Leu (NM_025080.4); short protein forms S251L.
Identifiers: ClinVar variation 1472128 (VCV001472128.6), dbSNP rs1281984139, ClinGen allele CA380871597.
Genomic context (GRCh38, chr11:62,392,109, plus strand): 5'-TGTTGTTTCTCAACCCTTCCTTGTTTTCAGGAAAGACGGTAGAAGAGGCTGCGGACCTAT[C>T]GTTGGGTTATATGAAGTCAAGGGTTAAAGGTTTAGGTGGCCTCATCGTGGTTAGCAAAAC-3'
Protein context (NP_001077395.1, residues 241-261): GKTVEEAADL[Ser251Leu]LGYMKSRVKG